The following is an entry in ClinVar:

NM_020207.7(ERCC6L2):c.2583T>C (p.His861=)

Gene: ERCC6L2 (ERCC excision repair 6 like 2; plus strand). Cytogenetic location: 9q22.32.
Variant type: single nucleotide variant.
Coding change: c.2583T>C on transcript NM_020207.7 (MANE Select); coding-DNA position 2583, T replaced by C.
Protein change: p.His861=; no amino-acid change (histidine 861 retained).
Molecular consequence: synonymous variant. On other transcripts: non-coding transcript variant (1).
Genome position (GRCh38, 1-based): chr9:95,972,334, T>C. VCF-style: chr9-95972334-T-C. GRCh37 (hg19) VCF-style: chr9-98734616-T-C.
Other names: c.2583T>C, p.His861= (NM_001375291.1, NM_001375292.1, NM_001375293.1 and 1 more transcripts).
Identifiers: ClinVar variation 1538304 (VCV001538304.31), dbSNP rs762356066, ClinGen allele CA5139826.

ClinVar aggregate classification (germline): Likely benign. Review status: criteria provided, multiple submitters, no conflicts (2 of 4 stars). 2 submissions from 2 submitters: Likely benign (2). Last evaluated 2025-10-09.

Allele frequency attached by ClinVar (database versions not stated): TOPMed 0.00001; gnomAD 0.00003; gnomAD exomes 0.00011 and 0.00025; ExAC 0.00099.
gnomAD v4.1: 130 of 1,289,736 alleles (0.01%); highest among the groups gnomAD compares: South Asian, 0.16%; 1 homozygote.

Submissions (2):

Labcorp Genetics (formerly Invitae), Labcorp
Classification: Likely benign. Last evaluated: 2025-10-09. Review status: criteria provided, single submitter. Criteria: Invitae Variant Classification Sherloc (09022015). Collection method: clinical testing. Allele origin: germline.

CeGaT Center for Human Genetics Tuebingen
Classification: Likely benign. Last evaluated: 2022-06-01. Review status: criteria provided, single submitter. Criteria: CeGaT Center For Human Genetics Tuebingen Variant Classification Criteria Version 2. Collection method: clinical testing. Allele origin: germline. Affected: yes. Observed: 2 variant alleles.
Comment: ERCC6L2: BP4, BP7